The following is an entry in ClinVar:

ClinVar aggregate classification (germline): Uncertain significance (1 of 4 stars; one submission).

gnomAD v4.1: 1 of 1,614,154 alleles (0.000062%); highest among the groups gnomAD compares: South Asian, 0.0011%; no homozygotes.

Submission:

GeneDx
Classification: Uncertain significance. Last evaluated: 2017-04-27. Review status: criteria provided, single submitter. Criteria: GeneDx Variant Classification (06012015). Collection method: clinical testing. Allele origin: germline. Affected: yes.
Comment: A variant of uncertain significance has been identified in the GABRB2 gene. The F451C variant has not been published as a pathogenic variant, nor has it been reported as a benign variant to our knowledge. The F451C variant is not observed in large population cohorts (Lek et al., 2016; 1000 Genomes Consortium et al., 2015; Exome Variant Server). The F451C variant is a non-conservative amino acid substitution, which is likely to impact secondary protein structure as these residues differ in polarity, charge, size and/or other properties. This substitution occurs at a position that is conserved in mammals. However, in silico analysis is inconsistent in its predictions as to whether or not the variant is damaging to the protein structure/function. Therefore, based on the currently available information, it is unclear whether this variant is a pathogenic variant or a rare benign variant.

NM_001371727.1(GABRB2):c.1352T>G (p.Phe451Cys)

Gene: GABRB2 (gamma-aminobutyric acid type A receptor subunit beta2; minus strand). Cytogenetic location: 5q34.
Variant type: single nucleotide variant.
Coding change: c.1352T>G on transcript NM_001371727.1 (MANE Select); coding-DNA position 1352, T replaced by G.
Protein change: p.Phe451Cys; replaces phenylalanine 451 with cysteine.
Molecular consequence: missense variant.
Genome position (GRCh38, 1-based): chr5:161,294,268, A>C on the plus strand (T>G on the coding strand, the complement: GABRB2 is on the minus strand). VCF-style: chr5-161294268-A-C. GRCh37 (hg19) VCF-style: chr5-160721275-A-C.
Other names: c.1238T>G, p.Phe413Cys (NM_000813.3); c.1352T>G, p.Phe451Cys (NM_021911.3); short protein forms F451C, F413C.
Identifiers: ClinVar variation 429416 (VCV000429416.2), dbSNP rs1131691366, ClinGen allele CA362173325.